The following is an entry in ClinVar:

NM_033380.3(COL4A5):c.655G>A (p.Gly219Ser)

Gene: COL4A5 (collagen type IV alpha 5 chain; plus strand). Cytogenetic location: Xq22.3.
Variant type: single nucleotide variant.
Coding change: c.655G>A on transcript NM_033380.3 (MANE Select); coding-DNA position 655, G replaced by A.
Protein change: p.Gly219Ser; replaces glycine 219 with serine.
Molecular consequence: missense variant.
Genome position (GRCh38, 1-based): chrX:108,578,087, G>A. VCF-style: chrX-108578087-G-A. GRCh37 (hg19) VCF-style: chrX-107821317-G-A.
Other names: c.655G>A, p.Gly219Ser (NM_000495.5); short protein forms G219S.
Identifiers: ClinVar variation 1469287 (VCV001469287.5), dbSNP rs104886075, ClinGen allele CA258308.
Genomic context (GRCh38, chrX:108,578,087, plus strand): 5'-TTCCTTTTCTTACTGTCAGTGAGATTTTTAAATGGAAACTTCTCTCTCCAGGGGAATATG[G>A]GCTTAAATTTCCAGGGACCCAAAGGTGAAAAAGTGAGTAAAGAAAGAGAGCTGGTTATTC-3'
Protein context (NP_203699.1, residues 209-229): PGLPGPKGNM[Gly219Ser]LNFQGPKGEK

ClinVar aggregate classification (germline): Uncertain significance (1 of 4 stars; one submission).

Submission:

Labcorp Genetics (formerly Invitae), Labcorp
Classification: Uncertain significance. Last evaluated: 2021-11-01. Review status: criteria provided, single submitter. Criteria: Invitae Variant Classification Sherloc (09022015). Collection method: clinical testing. Allele origin: germline.
Comment: In summary, the available evidence is currently insufficient to determine the role of this variant in disease. Therefore, it has been classified as a Variant of Uncertain Significance. Algorithms developed to predict the effect of missense changes on protein structure and function are either unavailable or do not agree on the potential impact of this missense change (SIFT: "Deleterious"; PolyPhen-2: "Not Available"; Align-GVGD: "Class C0"). ClinVar contains an entry for this variant (Variation ID: 24311). This variant is also known as c.857G>A. This missense change has been observed in individual(s) with Alport syndrome (PMID: 8651296). This variant is not present in population databases (gnomAD no frequency). This sequence change replaces glycine, which is neutral and non-polar, with serine, which is neutral and polar, at codon 219 of the COL4A5 protein (p.Gly219Ser).

Literature cited by the submitters: PubMed 8651296.